The following is an entry in ClinVar:

NM_172364.5(CACNA2D4):c.2465G>A (p.Gly822Glu)

Gene: CACNA2D4 (calcium voltage-gated channel auxiliary subunit alpha2delta 4; minus strand). Cytogenetic location: 12p13.33.
Variant type: single nucleotide variant.
Coding change: c.2465G>A on transcript NM_172364.5 (MANE Select); coding-DNA position 2465, G replaced by A.
Protein change: p.Gly822Glu; replaces glycine 822 with glutamic acid.
Molecular consequence: missense variant.
Genome position (GRCh38, 1-based): chr12:1,844,407, C>T on the plus strand (G>A on the coding strand, the complement: CACNA2D4 is on the minus strand). VCF-style: chr12-1844407-C-T. GRCh37 (hg19) VCF-style: chr12-1953573-C-T.
Other names: c.2465G>A (NM_172364.4); short protein forms G822E.
Identifiers: ClinVar variation 2791750 (VCV002791750.4), dbSNP rs929231454, ClinGen allele CA231558604.

ClinVar aggregate classification (germline): Uncertain significance. Review status: criteria provided, multiple submitters, no conflicts (2 of 4 stars). 2 submissions from 2 submitters: Uncertain significance (2). Last evaluated 2024-12-25.

Conditions:
Inborn genetic diseases. Identifiers: MedGen C0950123, MeSH D030342.

Allele frequency attached by ClinVar (database versions not stated): gnomAD 0.00001; TOPMed 0.00002.
gnomAD v4.1: 4 of 1,613,338 alleles (0.00025%); highest among the groups gnomAD compares: Admixed American, 0.0017%; no homozygotes.

Submissions (2):

Ambry Genetics
Classification: Uncertain significance for Inborn genetic diseases. Last evaluated: 2024-12-25. Review status: criteria provided, single submitter. Criteria: Ambry Variant Classification Scheme 2023. Collection method: clinical testing. Allele origin: germline.

Labcorp Genetics (formerly Invitae), Labcorp
Classification: Uncertain significance. Last evaluated: 2023-10-06. Review status: criteria provided, single submitter. Criteria: Invitae Variant Classification Sherloc (09022015). Collection method: clinical testing. Allele origin: germline.
Comment: This sequence change replaces glycine, which is neutral and non-polar, with glutamic acid, which is acidic and polar, at codon 822 of the CACNA2D4 protein (p.Gly822Glu). This variant is not present in population databases (gnomAD no frequency). This variant has not been reported in the literature in individuals affected with CACNA2D4-related conditions. Algorithms developed to predict the effect of missense changes on protein structure and function output the following: SIFT: "Not Available"; PolyPhen-2: "Benign"; Align-GVGD: "Not Available". The glutamic acid amino acid residue is found in multiple mammalian species, which suggests that this missense change does not adversely affect protein function. In summary, the available evidence is currently insufficient to determine the role of this variant in disease. Therefore, it has been classified as a Variant of Uncertain Significance.